The following is an entry in ClinVar:

ClinVar aggregate classification (germline): Conflicting classifications of pathogenicity. Review status: criteria provided, conflicting classifications (1 of 4 stars). 9 submissions from 9 submitters: Uncertain significance (1); Benign (2); Likely benign (6). Last evaluated 2026-01-24.

Conditions:
Hereditary cancer-predisposing syndrome. Also called: Tumor predisposition; Neoplastic Syndromes, Hereditary; Hereditary Cancer Syndrome; Hereditary neoplastic syndrome. Identifiers: Orphanet 140162, MedGen C0027672, MeSH D009386, MONDO:0015356.
Lymphangiomyomatosis (LAM). Also called: Lymphangioleiomyomatosis; Lymphangioleiomyomatosis, somatic. Identifiers: Orphanet 538, MedGen C0751674, MONDO:0011705, OMIM 606690.
Isolated focal cortical dysplasia type II (FCORD2). Also called: Focal cortical dysplasia type II; CORTICAL DYSPLASIA OF TAYLOR. Identifiers: Orphanet 268994, MedGen C1846385, MONDO:0011818, OMIM 607341, HP:0032051.
Tuberous sclerosis 2 (TSC2). Identifiers: Orphanet 805, MedGen C1860707, MONDO:0013199, OMIM 613254.
Tuberous sclerosis syndrome (TSC). Also called: Tuberous Sclerosis Complex; Tuberous sclerosis. Identifiers: Orphanet 805, MedGen C0041341, MONDO:0001734.

Allele frequency attached by ClinVar (database versions not stated): TOPMed 0.00010.
gnomAD v4.1: 16 of 1,612,848 alleles (0.00099%); highest among the groups gnomAD compares: Admixed American, 0.018%; no homozygotes.

Submissions (9):

Labcorp Genetics (formerly Invitae), Labcorp
Classification: Likely benign for Tuberous sclerosis 2. Last evaluated: 2026-01-24. Review status: criteria provided, single submitter. Criteria: Invitae Variant Classification Sherloc (09022015). Collection method: clinical testing. Allele origin: germline.

Myriad Genetics, Inc.
Classification: Benign for Tuberous sclerosis 2. Last evaluated: 2025-05-30. Review status: criteria provided, single submitter. Criteria: Myriad Autosomal Dominant, Autosomal Recessive and X-Linked Classification Criteria (2023). Collection method: clinical testing. Allele origin: unknown.
Comment: This variant is considered benign. This variant is a silent/synonymous amino acid change and it is not expected to impact splicing.

Quest Diagnostics Nichols Institute San Juan Capistrano
Classification: Uncertain significance. Last evaluated: 2024-08-26. Review status: criteria provided, single submitter. Criteria: Quest Diagnostics criteria. Collection method: clinical testing. Allele origin: unknown.

Color Diagnostics, LLC DBA Color Health
Classification: Likely benign for Tuberous sclerosis syndrome. Last evaluated: 2022-10-03. Review status: criteria provided, single submitter. Criteria: ACMG Guidelines, 2015. Collection method: clinical testing. Allele origin: germline.

Fulgent Genetics
Classification: Likely benign for Lymphangiomyomatosis; Isolated focal cortical dysplasia type II; Tuberous sclerosis 2. Last evaluated: 2022-01-22. Review status: criteria provided, single submitter. Criteria: ACMG Guidelines, 2015. Collection method: clinical testing. Allele origin: unknown.

Genome-Nilou Lab
Classification: Benign for Tuberous sclerosis 2. Last evaluated: 2021-11-07. Review status: criteria provided, single submitter. Criteria: ACMG Guidelines, 2015. Collection method: clinical testing. Allele origin: germline. Affected: no.

Sema4
Classification: Likely benign for Hereditary cancer-predisposing syndrome. Last evaluated: 2020-10-20. Review status: criteria provided, single submitter. Criteria: Sema4 Curation Guidelines. Collection method: curation. Allele origin: germline.

GeneDx
Classification: Likely benign. Last evaluated: 2020-09-04. Review status: criteria provided, single submitter. Criteria: GeneDx Variant Classification Process June 2021. Collection method: clinical testing. Allele origin: germline. Affected: yes.

Ambry Genetics
Classification: Likely benign for Hereditary cancer-predisposing syndrome. Last evaluated: 2016-09-16. Review status: criteria provided, single submitter. Criteria: Ambry Variant Classification Scheme 2023. Collection method: clinical testing. Allele origin: germline.

NM_000548.5(TSC2):c.3733C>A (p.Arg1245=)

Gene: TSC2 (TSC complex subunit 2; plus strand). Cytogenetic location: 16p13.3.
Variant type: single nucleotide variant.
Coding change: c.3733C>A on transcript NM_000548.5 (MANE Select); coding-DNA position 3733, C replaced by A.
Protein change: p.Arg1245=; no amino-acid change (arginine 1245 retained).
Molecular consequence: synonymous variant.
Genome position (GRCh38, 1-based): chr16:2,081,717, C>A. VCF-style: chr16-2081717-C-A. GRCh37 (hg19) VCF-style: chr16-2131718-C-A.
Other names: c.3601C>A, p.Arg1201= (NM_001077183.3, NM_001370404.1); c.3733C>A, p.Arg1245= (NM_001114382.3); c.3493C>A, p.Arg1165= (NM_001318827.2); c.3457C>A, p.Arg1153= (NM_001318829.2); c.3001C>A, p.Arg1001= (NM_001318831.2); c.3634C>A, p.Arg1212= (NM_001318832.2); c.3604C>A, p.Arg1202= (NM_001363528.2, NM_001370405.1, NM_021055.3).
Identifiers: ClinVar variation 413691 (VCV000413691.26), dbSNP rs777489742, ClinGen allele CA16615005.
Genomic context (GRCh38, chr16:2,081,717, plus strand): 5'-AACATGCCCCTGCAGGAGCTGTCTAACGCCCTCATGGCGGCTGAGCGCTTCAAGGAGCAC[C>A]GGGACACAGCCCTGTACAAGTCACTGTCGGTGCCGGCAGCCAGCACGGCCAAACCCCCTC-3'
Protein context (NP_000539.2, residues 1235-1255): LMAAERFKEH[Arg1245=]DTALYKSLSV